The following is an entry in ClinVar:

ClinVar aggregate classification (germline): Uncertain significance (1 of 4 stars; one submission).

Conditions:
Beckwith-Wiedemann syndrome (BWS). Also called: EMG SYNDROME; Exomphalos macroglossia gigantism syndrome. Identifiers: Orphanet 116, MedGen C0004903, MONDO:0007534, OMIM 130650.

Allele frequency attached by ClinVar (database versions not stated): ExAC 0.00001.
gnomAD v4.1: 1 of 1,510,120 alleles (0.000066%); highest among the groups gnomAD compares: Admixed American, 0.002%; no homozygotes.

Submission:

Labcorp Genetics (formerly Invitae), Labcorp
Classification: Uncertain significance for Beckwith-Wiedemann syndrome. Last evaluated: 2021-12-17. Review status: criteria provided, single submitter. Criteria: Invitae Variant Classification Sherloc (09022015). Collection method: clinical testing. Allele origin: germline.
Comment: Algorithms developed to predict the effect of missense changes on protein structure and function are either unavailable or do not agree on the potential impact of this missense change (SIFT: "Deleterious"; PolyPhen-2: "Not Available"; Align-GVGD: "Class C0"). This sequence change replaces proline, which is neutral and non-polar, with histidine, which is basic and polar, at codon 250 of the CDKN1C protein (p.Pro250His). The frequency data for this variant in the population databases is considered unreliable, as metrics indicate poor data quality at this position in the gnomAD database. This variant has not been reported in the literature in individuals affected with CDKN1C-related conditions. In summary, the available evidence is currently insufficient to determine the role of this variant in disease. Therefore, it has been classified as a Variant of Uncertain Significance.

NM_001122630.2(CDKN1C):c.716C>A (p.Pro239His)

Gene: CDKN1C (cyclin dependent kinase inhibitor 1C; minus strand). Cytogenetic location: 11p15.4.
Variant type: single nucleotide variant.
Coding change: c.716C>A on transcript NM_001122630.2 (MANE Select); coding-DNA position 716, C replaced by A.
Protein change: p.Pro239His; replaces proline 239 with histidine.
Molecular consequence: missense variant. On other transcripts: intron variant (1).
Genome position (GRCh38, 1-based): chr11:2,884,741, G>T on the plus strand (C>A on the coding strand, the complement: CDKN1C is on the minus strand). VCF-style: chr11-2884741-G-T. GRCh37 (hg19) VCF-style: chr11-2905971-G-T.
Other names: c.749C>A, p.Pro250His (NM_000076.2, NM_001362474.2); c.716C>A, p.Pro239His (NM_001122631.2); c.255+461C>A (NM_001362475.2); short protein forms P239H, P250H.
Identifiers: ClinVar variation 2044621 (VCV002044621.4), dbSNP rs753022994, ClinGen allele CA5822181.